The following is an entry in ClinVar:

NM_001853.4(COL9A3):c.31CTGCTC[4] (p.Leu15_Leu16dup)

Gene: COL9A3 (collagen type IX alpha 3 chain; plus strand). Cytogenetic location: 20q13.33.
Variant type: Microsatellite.
Coding change: c.31CTGCTC[4] on transcript NM_001853.4 (MANE Select); four copies in a row of the 6-base unit CTGCTC starting at c.31; the reference has three copies in a row; one copy, 6 bases duplicated; also written c.43_48dup.
Protein change: p.Leu15_Leu16dup.
Molecular consequence: inframe insertion.
Genome position (GRCh38, 1-based): chr20:62,817,107-62,817,112, CTGCTC duplicated; duplicating any 6 consecutive bases within chr20:62,817,091-62,817,112 gives the same sequence; the position shown is the placement nearest the transcript's 3' end. VCF-style (leftmost placement, unchanged base first): chr20-62817090-C-CGCTCCT. GRCh37 (hg19) VCF-style: chr20-61448442-C-CGCTCCT.
Other names: c.43_48dup (NM_001853.3); c.43_48dup6 (NM_001853.3).
Identifiers: ClinVar variation 1422320 (VCV001422320.9), dbSNP rs1036479876, ClinGen allele CA317318987.

ClinVar aggregate classification (germline): Uncertain significance. Review status: criteria provided, multiple submitters, no conflicts (2 of 4 stars). 4 submissions from 4 submitters: Uncertain significance (3). 1 of the submissions does not count toward it. Last evaluated 2025-09-05.

Conditions:
COL9A3-related disorder. Also called: COL9A3-related condition.

Submissions (4):

Labcorp Genetics (formerly Invitae), Labcorp
Classification: Uncertain significance. Last evaluated: 2025-09-05. Review status: criteria provided, single submitter. Criteria: Invitae Variant Classification Sherloc (09022015). Collection method: clinical testing. Allele origin: germline.
Comment: This variant, c.43_48dup, results in the insertion of 2 amino acid(s) of the COL9A3 protein (p.Leu15_Leu16dup), but otherwise preserves the integrity of the reading frame. This variant is present in population databases (no rsID available, gnomAD 0.01%). This variant has not been reported in the literature in individuals affected with COL9A3-related conditions. ClinVar contains an entry for this variant (Variation ID: 1422320). Experimental studies and prediction algorithms are not available or were not evaluated, and the functional significance of this variant is currently unknown. In summary, the available evidence is currently insufficient to determine the role of this variant in disease. Therefore, it has been classified as a Variant of Uncertain Significance.

GeneDx
Classification: Uncertain significance. Last evaluated: 2023-12-19. Review status: criteria provided, single submitter. Criteria: GeneDx Variant Classification Process June 2021. Collection method: clinical testing. Allele origin: germline. Affected: yes.
Comment: Not observed at significant frequency in large population cohorts (gnomAD); In-frame insertion of 2 amino acids in a non-repeat region; Has not been previously published as pathogenic or benign to our knowledge

Blueprint Genetics
Classification: Uncertain significance. Last evaluated: 2022-12-21. Review status: criteria provided, single submitter. Criteria: ACMG Guidelines, 2015. Collection method: clinical testing. Allele origin: germline.

PreventionGenetics, part of Exact Sciences
Classification: Uncertain significance for COL9A3-related condition. Last evaluated: 2024-01-22. Review status: no assertion criteria provided. Collection method: clinical testing. Allele origin: germline. Not counted in ClinVar's aggregate classification.
Comment: The COL9A3 c.43_48dup6 variant is predicted to result in an in-frame duplication (p.Leu15_Leu16dup). To our knowledge, this variant has not been reported in the literature. This variant is reported in 0.013% of alleles in individuals of European (Finnish) descent in gnomAD. At this time, the clinical significance of this variant is uncertain due to the absence of conclusive functional and genetic evidence.